The following is an entry in ClinVar:

ClinVar aggregate classification (germline): Pathogenic (1 of 4 stars; one submission).

Allele frequency attached by ClinVar (database versions not stated): gnomAD exomes below 0.00001; TOPMed 0.00001.
gnomAD v4.1: 3 of 1,613,966 alleles (0.00019%); highest among the groups gnomAD compares: East Asian, 0.0022%; no homozygotes.

Submission:

Labcorp Genetics (formerly Invitae), Labcorp
Classification: Pathogenic. Last evaluated: 2025-01-23. Review status: criteria provided, single submitter. Criteria: Invitae Variant Classification Sherloc (09022015). Collection method: clinical testing. Allele origin: germline.
Comment: This sequence change creates a premature translational stop signal (p.Arg182*) in the TBCD gene. It is expected to result in an absent or disrupted protein product. Loss-of-function variants in TBCD are known to be pathogenic (PMID: 27666370, 27666374). This variant is not present in population databases (gnomAD no frequency). This variant has not been reported in the literature in individuals affected with TBCD-related conditions. ClinVar contains an entry for this variant (Variation ID: 2868878). For these reasons, this variant has been classified as Pathogenic.

Literature cited by the submitters: PubMed 27666370; PubMed 27666374.

NM_005993.5(TBCD):c.544C>T (p.Arg182Ter)

Gene: TBCD (tubulin folding cofactor D). Cytogenetic location: 17q25.3.
Variant type: single nucleotide variant.
Coding change: c.544C>T on transcript NM_005993.5 (MANE Select); coding-DNA position 544, C replaced by T.
Protein change: p.Arg182Ter; replaces arginine 182 with a stop codon.
Molecular consequence: nonsense.
Genome position (GRCh38, 1-based): chr17:82,768,528, C>T. VCF-style: chr17-82768528-C-T. GRCh37 (hg19) VCF-style: chr17-80726404-C-T.
Other names: c.493C>T, p.Arg165Ter (NM_001411101.1); c.544C>T, p.Arg182Ter (NM_001411102.1); short protein forms R182*, R165*.
Identifiers: ClinVar variation 2868878 (VCV002868878.3), dbSNP rs2048139263, ClinGen allele CA401627892.
Genomic context (GRCh38, chr17:82,768,528, plus strand): 5'-CTGATCCCTTTTGATTTTTCTCGCCTTGACGGGAACCTCCTCACCCAGCCTGGGCAAGCA[C>T]GAATGTCCATAATGGACCGTATTCTCCAAATAGCAGAGGTAAATATCATGCAGATAATTA-3'